The following is an entry in ClinVar:

NM_001458.5(FLNC):c.3472G>A (p.Val1158Met)

Gene: FLNC (filamin C; plus strand). Cytogenetic location: 7q32.1.
Variant type: single nucleotide variant.
Coding change: c.3472G>A on transcript NM_001458.5 (MANE Select); coding-DNA position 3472, G replaced by A.
Protein change: p.Val1158Met; replaces valine 1158 with methionine.
Molecular consequence: missense variant.
Genome position (GRCh38, 1-based): chr7:128,844,937, G>A. VCF-style: chr7-128844937-G-A. GRCh37 (hg19) VCF-style: chr7-128484991-G-A.
Other names: c.3472G>A, p.Val1158Met (NM_001127487.2); short protein forms V1158M.
Identifiers: ClinVar variation 5021938 (VCV005021938.1).
Genomic context (GRCh38, chr7:128,844,937, plus strand): 5'-GCCCACATCCCTGGCTCGCCCTTCAAAGCCACCATTCGGCCTGTGTTTGACCCGAGCAAG[G>A]TGCGGGCCAGTGGACCGGGCCTGGAGCGCGGCAAGGTCGGTGAGGCAGCCACCTTCACTG-3'
Protein context (NP_001449.3, residues 1148-1168): TIRPVFDPSK[Val1158Met]RASGPGLERG

ClinVar aggregate classification (germline): Uncertain significance (1 of 4 stars; one submission).

Conditions:
Cardiovascular phenotype. Identifiers: MedGen CN230736.

Submission:

Ambry Genetics
Classification: Uncertain significance for Cardiovascular phenotype. Last evaluated: 2026-06-25. Review status: criteria provided, single submitter. Criteria: Ambry Variant Classification Scheme 2023. Collection method: clinical testing. Allele origin: germline.
Comment: The p.V1158M variant (also known as c.3472G>A), located in coding exon 21 of the FLNC gene, results from a G to A substitution at nucleotide position 3472. The valine at codon 1158 is replaced by methionine, an amino acid with highly similar properties. This amino acid position is conserved. In addition, this alteration is predicted to be deleterious by in silico analysis. Based on the available evidence, the clinical significance of this variant remains unclear.